The following is an entry in ClinVar:

NM_000414.4(HSD17B4):c.58+118G>A

Gene: HSD17B4 (hydroxysteroid 17-beta dehydrogenase 4; plus strand). Cytogenetic location: 5q23.1.
Variant type: single nucleotide variant.
Coding change: c.58+118G>A on transcript NM_000414.4 (MANE Select); 118 bases into the intron after coding-DNA position 58, G replaced by A.
Molecular consequence: intron variant. On other transcripts: 5 prime UTR variant (7), non-coding transcript variant (1).
Genome position (GRCh38, 1-based): chr5:119,452,751, G>A. VCF-style: chr5-119452751-G-A. GRCh37 (hg19) VCF-style: chr5-118788446-G-A.
Other names: c.-3G>A (NM_001199291.2, NM_001199291.3); c.-424G>A (NM_001292028.2, NM_001374501.1); c.-358G>A (NM_001374499.1); c.-551G>A (NM_001374500.1); c.-429G>A (NM_001374502.1); c.-494G>A (NM_001374503.1); c.-80+118G>A (NM_001292027.2); c.58+118G>A (NM_001374498.1, NM_001374497.1, NM_001199292.2).
Identifiers: ClinVar variation 1189593 (VCV001189593.4), dbSNP rs565765389, ClinGen allele CA3381622.

ClinVar aggregate classification (germline): Likely benign. Review status: criteria provided, single submitter (1 of 4 stars). 2 submissions from 2 submitters: Likely benign (1). 1 of the submissions does not count toward it. Last evaluated 2020-05-25.

Conditions:
HSD17B4-related disorder. Also called: HSD17B4-related disorders; HSD17B4-related condition.

Allele frequency attached by ClinVar (database versions not stated): gnomAD exomes 0.00008 and 0.00042; gnomAD 0.00013; 1000 Genomes Project 30x 0.00016; 1000 Genomes Project 0.00020; TOPMed 0.00026; ExAC 0.00038.
gnomAD v4.1: 130 of 1,589,270 alleles (0.0082%); highest among the groups gnomAD compares: East Asian, 0.28%; 1 homozygote.

Submissions (2):

GeneDx
Classification: Likely benign. Last evaluated: 2020-05-25. Review status: criteria provided, single submitter. Criteria: GeneDx Variant Classification Process June 2021. Collection method: clinical testing. Allele origin: germline. Affected: yes.

PreventionGenetics, part of Exact Sciences
Classification: Likely benign for HSD17B4-related condition. Last evaluated: 2019-08-07. Review status: no assertion criteria provided. Collection method: clinical testing. Allele origin: germline. Not counted in ClinVar's aggregate classification.
Comment: This variant is classified as likely benign based on ACMG/AMP sequence variant interpretation guidelines (Richards et al. 2015 PMID: 25741868, with internal and published modifications).